The following is an entry in ClinVar:

NM_001142800.2(EYS):c.6490del (p.Val2164fs)

Gene: EYS (EGF-like photoreceptor maintenance factor; minus strand). Cytogenetic location: 6q12.
Variant type: Deletion.
Coding change: c.6490del on transcript NM_001142800.2 (MANE Select); coding-DNA position 6490, one base deleted (G; older notation c.6490delG).
Protein change: p.Val2164fs; shifts the reading frame from valine 2164.
Molecular consequence: frameshift variant.
Genome position (GRCh38, 1-based): chr6:64,081,937, C deleted on the plus strand (G on the coding strand, the reverse complement: EYS is on the minus strand). VCF-style (leftmost placement, unchanged base first): chr6-64081936-AC-A. GRCh37 (hg19) VCF-style: chr6-64791829-AC-A.
Other names: c.6490del, p.Val2164fs (NM_001292009.2); short protein forms V2164fs.
Identifiers: ClinVar variation 842411 (VCV000842411.7), dbSNP rs1163089098, ClinGen allele CA567712768.

ClinVar aggregate classification (germline): Pathogenic (1 of 4 stars; one submission).

Allele frequency attached by ClinVar (database versions not stated): gnomAD exomes below 0.00001 and 0.00001.

Submission:

Labcorp Genetics (formerly Invitae), Labcorp
Classification: Pathogenic. Last evaluated: 2024-11-04. Review status: criteria provided, single submitter. Criteria: Invitae Variant Classification Sherloc (09022015). Collection method: clinical testing. Allele origin: germline.
Comment: This sequence change creates a premature translational stop signal (p.Val2164Serfs*14) in the EYS gene. It is expected to result in an absent or disrupted protein product. Loss-of-function variants in EYS are known to be pathogenic (PMID: 18836446, 20333770). This variant is present in population databases (no rsID available, gnomAD 0.004%). This variant has not been reported in the literature in individuals affected with EYS-related conditions. ClinVar contains an entry for this variant (Variation ID: 842411). For these reasons, this variant has been classified as Pathogenic.

Literature cited by the submitters: PubMed 18836446; PubMed 20333770.